The following is an entry in ClinVar:

NM_001199107.2(TBC1D24):c.1126G>C (p.Gly376Arg)

Gene: TBC1D24 (TBC1 domain family member 24; plus strand). Cytogenetic location: 16p13.3.
Variant type: single nucleotide variant.
Coding change: c.1126G>C on transcript NM_001199107.2 (MANE Select); coding-DNA position 1126, G replaced by C.
Protein change: p.Gly376Arg; replaces glycine 376 with arginine.
Molecular consequence: missense variant.
Genome position (GRCh38, 1-based): chr16:2,498,380, G>C. VCF-style: chr16-2498380-G-C. GRCh37 (hg19) VCF-style: chr16-2548381-G-C.
Other names: p.G370R:GGG>CGG; c.1108G>C, p.Gly370Arg (NM_020705.3); short protein forms G370R, G376R.
Identifiers: ClinVar variation 207520 (VCV000207520.3), dbSNP rs796053408, ClinGen allele CA319078.
Genomic context (GRCh38, chr16:2,498,380, plus strand): 5'-TGGGTCCCCGAGCGCTTTGCCCTGTGCCAGCCCCTTCTGCTGTTCTCCTCCCTGCAGCAC[G>C]GGTACAGCCTGGCCAGGTAACACCCCAAGGGGCCAGAGCGGGCGGCAGAGCCGCCCAGCC-3'
Protein context (NP_001186036.1, residues 366-386): PLLLFSSLQH[Gly376Arg]YSLARFYFQC

ClinVar aggregate classification (germline): Uncertain significance (1 of 4 stars; one submission).

gnomAD v4.1: 1 of 1,606,838 alleles (0.000062%); highest among the groups gnomAD compares: Non-Finnish European, 0.000085%; no homozygotes.

Submission:

GeneDx
Classification: Uncertain significance. Last evaluated: 2025-09-16. Review status: criteria provided, single submitter. Criteria: GeneDx Variant Classification Process June 2021. Collection method: clinical testing. Allele origin: germline. Affected: yes.
Comment: Identified in a patient reported to have deafness, onychodystrophy, osteodystrophy, and intellectual disability (DOOR) syndrome who was also found to harbor a second variant, but it is not known whether the variants occurred on the same (in cis) or opposite (in trans) alleles (PMID: 27281533); Not observed at significant frequency in large population cohorts (gnomAD); In silico analysis supports that this missense variant has a deleterious effect on protein structure/function; This variant is associated with the following publications: (PMID: 39214300, 27281533)